The following is an entry in ClinVar:

ClinVar aggregate classification (germline): Uncertain significance (1 of 4 stars; one submission).

gnomAD v4.1: 1 of 1,613,684 alleles (0.000062%); highest among the groups gnomAD compares: Non-Finnish European, 0.000085%; no homozygotes.

Submission:

Labcorp Genetics (formerly Invitae), Labcorp
Classification: Uncertain significance. Last evaluated: 2021-12-22. Review status: criteria provided, single submitter. Criteria: Invitae Variant Classification Sherloc (09022015). Collection method: clinical testing. Allele origin: germline.
Comment: This sequence change replaces valine, which is neutral and non-polar, with methionine, which is neutral and non-polar, at codon 669 of the ADAMTS10 protein (p.Val669Met). This variant is present in population databases (no rsID available, gnomAD 0.0009%). This variant has not been reported in the literature in individuals affected with ADAMTS10-related conditions. Algorithms developed to predict the effect of missense changes on protein structure and function are either unavailable or do not agree on the potential impact of this missense change (SIFT: "Tolerated"; PolyPhen-2: "Possibly Damaging"; Align-GVGD: "Class C0"). In summary, the available evidence is currently insufficient to determine the role of this variant in disease. Therefore, it has been classified as a Variant of Uncertain Significance.

NM_030957.4(ADAMTS10):c.2005G>A (p.Val669Met)

Gene: ADAMTS10 (ADAM metallopeptidase with thrombospondin type 1 motif 10; minus strand). Cytogenetic location: 19p13.2.
Variant type: single nucleotide variant.
Coding change: c.2005G>A on transcript NM_030957.4 (MANE Select); coding-DNA position 2005, G replaced by A.
Protein change: p.Val669Met; replaces valine 669 with methionine.
Molecular consequence: missense variant.
Genome position (GRCh38, 1-based): chr19:8,589,481, C>T on the plus strand (G>A on the coding strand, the complement: ADAMTS10 is on the minus strand). VCF-style: chr19-8589481-C-T. GRCh37 (hg19) VCF-style: chr19-8654365-C-T.
Other names: c.466G>A, p.Val156Met (NM_001282352.2); short protein forms V156M, V669M.
Identifiers: ClinVar variation 1915434 (VCV001915434.5), dbSNP rs144596955, ClinGen allele CA403750761.